The following is an entry in ClinVar:

ClinVar aggregate classification (germline): Uncertain significance (1 of 4 stars; one submission).

Conditions:
Inborn genetic diseases. Identifiers: MedGen C0950123, MeSH D030342.

Submission:

Ambry Genetics
Classification: Uncertain significance for Inborn genetic diseases. Last evaluated: 2026-08-29. Review status: criteria provided, single submitter. Criteria: Ambry Variant Classification Scheme 2023. Collection method: clinical testing. Allele origin: germline.
Comment: The p.R535T variant (also known as c.1604G>C), located in coding exon 12 of the BMPR2 gene, results from a G to C substitution at nucleotide position 1604. The arginine at codon 535 is replaced by threonine, an amino acid with similar properties. This amino acid position is conserved. In addition, the in silico prediction for this alteration is inconclusive. Based on the available evidence, the clinical significance of this variant remains unclear.

NM_001204.7(BMPR2):c.1604G>C (p.Arg535Thr)

Gene: BMPR2 (bone morphogenetic protein receptor type 2; plus strand). Cytogenetic location: 2q33.2.
Variant type: single nucleotide variant.
Coding change: c.1604G>C on transcript NM_001204.7 (MANE Select); coding-DNA position 1604, G replaced by C.
Protein change: p.Arg535Thr; replaces arginine 535 with threonine.
Molecular consequence: missense variant.
Genome position (GRCh38, 1-based): chr2:202,555,269, G>C. VCF-style: chr2-202555269-G-C. GRCh37 (hg19) VCF-style: chr2-203419992-G-C.
Other names: short protein forms R535T.
Identifiers: ClinVar variation 5033128 (VCV005033128.1).